The following is an entry in ClinVar:

ClinVar aggregate classification (germline): Likely benign (1 of 4 stars; one submission).

gnomAD v4.1: 4 of 1,597,764 alleles (0.00025%); highest among the groups gnomAD compares: East Asian, 0.0022%; no homozygotes.

Submission:

Mayo Clinic Laboratories, Mayo Clinic
Classification: Likely benign. Last evaluated: 2025-05-19. Review status: criteria provided, single submitter. Criteria: ACMG Guidelines, 2015. Collection method: clinical testing. Allele origin: germline. Observed: 1 variant allele.
Comment: BP4, BP7

NM_000435.3(NOTCH3):c.5115-5G>T

Gene: NOTCH3 (notch receptor 3; minus strand). Cytogenetic location: 19p13.12.
Variant type: single nucleotide variant.
Coding change: c.5115-5G>T on transcript NM_000435.3 (MANE Select); 5 bases into the intron before coding-DNA position 5115, G replaced by T.
Molecular consequence: intron variant.
Genome position (GRCh38, 1-based): chr19:15,170,175, C>A on the plus strand (G>T on the coding strand, the complement: NOTCH3 is on the minus strand). VCF-style: chr19-15170175-C-A. GRCh37 (hg19) VCF-style: chr19-15280986-C-A.
Other names: p.?.
Identifiers: ClinVar variation 4684319 (VCV004684319.1).
Genomic context (GRCh38, chr19:15,170,175, plus strand): 5'-TGTCCATCCAGTCTGTGGCCACCTCCCCCATCAGGCTCTCACCCTTGGCCATGTTCCTGG[C>A]GGACAATGGGAAGAGGGGATGTGAGGGGGACACTAGAGGTGTCCAGCTGGGAAGGAGGAT-3'